The following is an entry in ClinVar:

ClinVar aggregate classification (germline): Likely pathogenic (1 of 4 stars; one submission).

Conditions:
SATB1-related disorder. Also called: SATB1-related condition.

Submission:

Greenwood Genetic Center Diagnostic Laboratories, Greenwood Genetic Center
Classification: Likely pathogenic for SATB1-related disorder. Last evaluated: 2024-05-01. Review status: criteria provided, single submitter. Criteria: ACMG Guidelines, 2015. Collection method: clinical testing. Allele origin: germline. Affected: yes.
Comment: PS2, PM2, PP2, PP3

NM_002971.6(SATB1):c.1353C>A (p.Ser451Arg)

Gene: SATB1 (SATB homeobox 1; minus strand). Cytogenetic location: 3p24.3.
Variant type: single nucleotide variant.
Coding change: c.1353C>A on transcript NM_002971.6 (MANE Select); coding-DNA position 1353, C replaced by A.
Protein change: p.Ser451Arg; replaces serine 451 with arginine.
Molecular consequence: missense variant.
Genome position (GRCh38, 1-based): chr3:18,386,465, G>T on the plus strand (C>A on the coding strand, the complement: SATB1 is on the minus strand). VCF-style: chr3-18386465-G-T. GRCh37 (hg19) VCF-style: chr3-18427957-G-T.
Other names: c.1353C>A, p.Ser451Arg (NM_001131010.4, NM_001195470.3, NM_001322871.2 and 4 more transcripts); c.1137C>A, p.Ser379Arg (NM_001322876.2); short protein forms S379R, S451R.
Identifiers: ClinVar variation 3338613 (VCV003338613.1).